The following is an entry in ClinVar:

NM_002519.3(NPAT):c.3200A>G (p.Asp1067Gly)

Gene: NPAT (nuclear protein, coactivator of histone transcription; minus strand). Cytogenetic location: 11q22.3.
Variant type: single nucleotide variant.
Coding change: c.3200A>G on transcript NM_002519.3 (MANE Select); coding-DNA position 3200, A replaced by G.
Protein change: p.Asp1067Gly; replaces aspartic acid 1067 with glycine.
Molecular consequence: missense variant.
Genome position (GRCh38, 1-based): chr11:108,161,886, T>C on the plus strand (A>G on the coding strand, the complement: NPAT is on the minus strand). VCF-style: chr11-108161886-T-C. GRCh37 (hg19) VCF-style: chr11-108032613-T-C.
Other names: c.3221A>G, p.Asp1074Gly (NM_001321307.1); short protein forms D1074G, D1067G.
Identifiers: ClinVar variation 3300640 (VCV003300640.1).

ClinVar aggregate classification (germline): Uncertain significance (1 of 4 stars; one submission).

gnomAD v4.1: 4 of 1,614,068 alleles (0.00025%); highest among the groups gnomAD compares: South Asian, 0.0022%; no homozygotes.

Submission:

Ambry Genetics
Classification: Uncertain significance. Last evaluated: 2024-05-29. Review status: criteria provided, single submitter. Criteria: Ambry Variant Classification Scheme 2023. Collection method: clinical testing. Allele origin: germline.
Comment: The p.D1067G variant (also known as c.3200A>G), located in coding exon 17 of the NPAT gene, results from an A to G substitution at nucleotide position 3200. The aspartic acid at codon 1067 is replaced by glycine, an amino acid with similar properties. This amino acid position is conserved. In addition, the in silico prediction for this alteration is inconclusive. Based on the available evidence, the clinical significance of this variant remains unclear.